The following is an entry in ClinVar:

NM_032242.4(PLXNA1):c.5045G>A (p.Arg1682Gln)

Gene: PLXNA1 (plexin A1; plus strand). Cytogenetic location: 3q21.3.
Variant type: single nucleotide variant.
Coding change: c.5045G>A on transcript NM_032242.4 (MANE Select); coding-DNA position 5045, G replaced by A.
Protein change: p.Arg1682Gln; replaces arginine 1682 with glutamine.
Molecular consequence: missense variant.
Genome position (GRCh38, 1-based): chr3:127,030,048, G>A. VCF-style: chr3-127030048-G-A. GRCh37 (hg19) VCF-style: chr3-126748891-G-A.
Other names: short protein forms R1682Q.
Identifiers: ClinVar variation 2287294 (VCV002287294.3), dbSNP rs901257549, ClinGen allele CA83337548.

ClinVar aggregate classification (germline): Uncertain significance. Review status: criteria provided, multiple submitters, no conflicts (2 of 4 stars). 2 submissions from 2 submitters: Uncertain significance (2). Last evaluated 2025-09-11.

Conditions:
PLXNA1-related disorder. Also called: PLXNA1-related condition.

Allele frequency attached by ClinVar (database versions not stated): gnomAD exomes below 0.00001.
gnomAD v4.1: 4 of 1,611,512 alleles (0.00025%); highest among the groups gnomAD compares: Non-Finnish European, 0.00025%; no homozygotes.

Submissions (2):

PreventionGenetics, part of Exact Sciences
Classification: Uncertain significance for PLXNA1-related condition. Last evaluated: 2025-09-11. Review status: criteria provided, single submitter. Criteria: ACMG Guidelines, 2015. Collection method: clinical testing. Allele origin: germline.
Comment: The PLXNA1 c.5045G>A variant is predicted to result in the amino acid substitution p.Arg1682Gln. To our knowledge, this variant has not been reported in the literature. This variant is reported in 0.00089% of alleles in individuals of European (Non-Finnish) descent in gnomAD. At this time, the clinical significance of this variant is uncertain due to the absence of conclusive functional and genetic evidence.

Ambry Genetics
Classification: Uncertain significance. Last evaluated: 2022-05-04. Review status: criteria provided, single submitter. Criteria: Ambry Variant Classification Scheme 2023. Collection method: clinical testing. Allele origin: germline.